The following is an entry in ClinVar:

ClinVar aggregate classification (germline): Uncertain significance (1 of 4 stars; one submission).

Conditions:
Werner syndrome (WRN). Identifiers: Orphanet 902, MedGen C0043119, MONDO:0010196, OMIM 277700.

Allele frequency attached by ClinVar (database versions not stated): gnomAD 0.00001.
gnomAD v4.1: 1 of 1,612,132 alleles (0.000062%); highest among the groups gnomAD compares: African/African-American, 0.0013%; no homozygotes.

Submission:

Labcorp Genetics (formerly Invitae), Labcorp
Classification: Uncertain significance for Werner syndrome. Last evaluated: 2023-09-03. Review status: criteria provided, single submitter. Criteria: Invitae Variant Classification Sherloc (09022015). Collection method: clinical testing. Allele origin: germline.
Comment: This sequence change replaces leucine, which is neutral and non-polar, with phenylalanine, which is neutral and non-polar, at codon 1232 of the WRN protein (p.Leu1232Phe). This variant is present in population databases (no rsID available, gnomAD 0.01%). This variant has not been reported in the literature in individuals affected with WRN-related conditions. An algorithm developed to predict the effect of missense changes on protein structure and function (PolyPhen-2) suggests that this variant is likely to be tolerated. In summary, the available evidence is currently insufficient to determine the role of this variant in disease. Therefore, it has been classified as a Variant of Uncertain Significance.

NM_000553.6(WRN):c.3694C>T (p.Leu1232Phe)

Gene: WRN (WRN RecQ like helicase; plus strand). Cytogenetic location: 8p12.
Variant type: single nucleotide variant.
Coding change: c.3694C>T on transcript NM_000553.6 (MANE Select); coding-DNA position 3694, C replaced by T.
Protein change: p.Leu1232Phe; replaces leucine 1232 with phenylalanine.
Molecular consequence: missense variant.
Genome position (GRCh38, 1-based): chr8:31,154,630, C>T. VCF-style: chr8-31154630-C-T. GRCh37 (hg19) VCF-style: chr8-31012146-C-T.
Other names: short protein forms L1232F.
Identifiers: ClinVar variation 2757641 (VCV002757641.3), dbSNP rs1350215266, ClinGen allele CA370928844.